The following is an entry in ClinVar:

ClinVar aggregate classification (germline): Likely benign (1 of 4 stars; one submission).

Conditions:
Hereditary cancer-predisposing syndrome. Also called: Neoplastic Syndromes, Hereditary; Tumor predisposition; Hereditary Cancer Syndrome; Hereditary neoplastic syndrome. Identifiers: Orphanet 140162, MedGen C0027672, MeSH D009386, MONDO:0015356.

Allele frequency attached by ClinVar (database versions not stated): gnomAD exomes below 0.00001.
gnomAD v4.1: 1 of 1,609,696 alleles (0.000062%); highest among the groups gnomAD compares: Non-Finnish European, 0.000085%; no homozygotes.

Submission:

Ambry Genetics
Classification: Likely benign for Hereditary cancer-predisposing syndrome. Last evaluated: 2015-07-06. Review status: criteria provided, single submitter. Criteria: Ambry Autosomal Dominant and X-Linked criteria (10/2015). Collection method: clinical testing. Allele origin: germline. Observed: 1 variant allele.
Comment: Synonymous alterations with insufficient evidence to classify as benign

NM_001042492.3(NF1):c.693T>C (p.Phe231=)

Gene: NF1 (neurofibromin 1; plus strand). Cytogenetic location: 17q11.2.
Variant type: single nucleotide variant.
Coding change: c.693T>C on transcript NM_001042492.3 (MANE Select); coding-DNA position 693, T replaced by C.
Protein change: p.Phe231=; no amino-acid change (phenylalanine 231 retained).
Molecular consequence: synonymous variant.
Genome position (GRCh38, 1-based): chr17:31,181,748, T>C. VCF-style: chr17-31181748-T-C. GRCh37 (hg19) VCF-style: chr17-29508766-T-C.
Other names: c.693T>C, p.Phe231= (NM_000267.4, NM_001128147.3).
Identifiers: ClinVar variation 232853 (VCV000232853.3), dbSNP rs876660028, ClinGen allele CA10580198.